The following is an entry in ClinVar:

ClinVar aggregate classification (germline): Likely benign. Review status: criteria provided, multiple submitters, no conflicts (2 of 4 stars). 3 submissions from 3 submitters: Likely benign (2). 1 of the submissions does not count toward it. Last evaluated 2025-11-20.

Conditions:
Wilson disease (WND). Also called: Wilson's disease. Identifiers: Orphanet 905, MedGen C0019202, MONDO:0010200, OMIM 277900. Disease mechanism: loss of function.

Allele frequency attached by ClinVar (database versions not stated): TOPMed below 0.00001; ExAC 0.00001; gnomAD 0.00001; gnomAD exomes 0.00001 and 0.00002.

Submissions (3):

Labcorp Genetics (formerly Invitae), Labcorp
Classification: Likely benign for Wilson disease. Last evaluated: 2025-11-20. Review status: criteria provided, single submitter. Criteria: Invitae Variant Classification Sherloc (09022015). Collection method: clinical testing. Allele origin: germline.

All of Us Research Program, National Institutes of Health
Classification: Likely benign for Wilson disease. Last evaluated: 2023-11-02. Review status: criteria provided, single submitter. Criteria: ACMG Guidelines, 2015. Collection method: clinical testing. Allele origin: germline. Inheritance: Autosomal recessive inheritance. Observed: 3 variant alleles, 3 heterozygotes.
Comment: This study involves interpretation of variants in research participants for the purpose of population health screening. Participant phenotype was not available at the time of variant classification. Additional details can be found in publication PMID: 35346344, PMCID: PMC8962531

Natera, Inc.
Classification: Likely benign for Wilson disease. Last evaluated: 2021-07-20. Review status: no assertion criteria provided. Collection method: clinical testing. Allele origin: germline. Not counted in ClinVar's aggregate classification.

NM_000053.4(ATP7B):c.4338C>T (p.Asp1446=)

Gene: ATP7B (ATPase copper transporting beta; minus strand). Cytogenetic location: 13q14.3.
Variant type: single nucleotide variant.
Coding change: c.4338C>T on transcript NM_000053.4 (MANE Select); coding-DNA position 4338, C replaced by T.
Protein change: p.Asp1446=; no amino-acid change (aspartic acid 1446 retained).
Molecular consequence: synonymous variant.
Genome position (GRCh38, 1-based): chr13:51,934,816, G>A on the plus strand (C>T on the coding strand, the complement: ATP7B is on the minus strand). VCF-style: chr13-51934816-G-A. GRCh37 (hg19) VCF-style: chr13-52508952-G-A.
Other names: c.3717C>T, p.Asp1239= (NM_001005918.3); c.4005C>T, p.Asp1335= (NM_001243182.2); c.4104C>T, p.Asp1368= (NM_001330578.2); c.4086C>T, p.Asp1362= (NM_001330579.2).
Identifiers: ClinVar variation 1127445 (VCV001127445.14), dbSNP rs760661082, ClinGen allele CA6988415.
Genomic context (GRCh38, chr13:51,934,816, plus strand): 5'-TCAGATGTACTGCTCCTCATCCCTGCCATTCAGGAGCAGAGACCACTTGTCCCCATCATC[G>A]TCTGCTGCAGCGCTGTGCCGAGATGGCTTGTCGGACGTCAGGGAGGACAGCGACACCTGG-3'
Protein context (NP_000044.2, residues 1436-1456): DKPSRHSAAA[Asp1446=]DDGDKWSLLL